The following is an entry in ClinVar:

NM_183065.4(TMEM107):c.*769C>T

Gene: TMEM107 (transmembrane protein 107; minus strand). Cytogenetic location: 17p13.1.
Variant type: single nucleotide variant.
Coding change: c.*769C>T on transcript NM_183065.4 (MANE Select); 769 bases downstream of the stop codon, C replaced by T.
Molecular consequence: 3 prime UTR variant. On other transcripts: non-coding transcript variant (1).
Genome position (GRCh38, 1-based): chr17:8,173,434, G>A on the plus strand (C>T on the coding strand, the complement: TMEM107 is on the minus strand). VCF-style: chr17-8173434-G-A. GRCh37 (hg19) VCF-style: chr17-8076752-G-A.
Other names: c.*769C>T (NM_001351278.2, NM_001351279.2, NM_001351280.2 and 1 more transcripts).
Identifiers: ClinVar variation 3061539 (VCV003061539.2), dbSNP rs145864249, ClinGen allele CA8370517.
Genomic context (GRCh38, chr17:8,173,434, plus strand): 5'-ATCCCAGTCAGAACTTCATAGCTATGTTTGTGGATATCTGCTAATCAGCATAACACAAAT[G>A]TAAGTGATCGTCAGAAAGAATCAGACAGGAGCAATCAGGGTGTTGCAAGTCCTGATTACG-3'

ClinVar aggregate classification (germline): Likely benign (0 of 4 stars; one submission).

Conditions:
TMEM107-related disorder. Also called: TMEM107-related condition.

Allele frequency attached by ClinVar (database versions not stated): ESP Exome Variant Server 0.00035; 1000 Genomes Project 0.00120; 1000 Genomes Project 30x 0.00125.

Submission:

PreventionGenetics, part of Exact Sciences
Classification: Likely benign for TMEM107-related condition. Last evaluated: 2022-06-10. Review status: no assertion criteria provided. Collection method: clinical testing. Allele origin: germline.
Comment: This variant is classified as likely benign based on ACMG/AMP sequence variant interpretation guidelines (Richards et al. 2015 PMID: 25741868, with internal and published modifications).